The following is an entry in ClinVar:

ClinVar aggregate classification (germline): Uncertain significance. Review status: criteria provided, multiple submitters, no conflicts (2 of 4 stars). 2 submissions from 2 submitters: Uncertain significance (2). Last evaluated 2024-09-22.

Submissions (2):

Labcorp Genetics (formerly Invitae), Labcorp
Classification: Uncertain significance. Last evaluated: 2024-09-22. Review status: criteria provided, single submitter. Criteria: Invitae Variant Classification Sherloc (09022015). Collection method: clinical testing. Allele origin: germline.
Comment: This sequence change replaces aspartic acid, which is acidic and polar, with glutamic acid, which is acidic and polar, at codon 342 of the FRMD7 protein (p.Asp342Glu). This variant is not present in population databases (gnomAD no frequency). This variant has not been reported in the literature in individuals affected with FRMD7-related conditions. An algorithm developed to predict the effect of missense changes on protein structure and function (PolyPhen-2) suggests that this variant is likely to be tolerated. In summary, the available evidence is currently insufficient to determine the role of this variant in disease. Therefore, it has been classified as a Variant of Uncertain Significance.

Blueprint Genetics
Classification: Uncertain significance. Last evaluated: 2024-08-13. Review status: criteria provided, single submitter. Criteria: ACMG Guidelines, 2015. Collection method: clinical testing. Allele origin: germline.

NM_194277.3(FRMD7):c.1026C>G (p.Asp342Glu)

Gene: FRMD7 (FERM domain containing 7; minus strand). Cytogenetic location: Xq26.2.
Variant type: single nucleotide variant.
Coding change: c.1026C>G on transcript NM_194277.3 (MANE Select); coding-DNA position 1026, C replaced by G.
Protein change: p.Asp342Glu; replaces aspartic acid 342 with glutamic acid.
Molecular consequence: missense variant.
Genome position (GRCh38, 1-based): chrX:132,080,030, G>C on the plus strand (C>G on the coding strand, the complement: FRMD7 is on the minus strand). VCF-style: chrX-132080030-G-C. GRCh37 (hg19) VCF-style: chrX-131214058-G-C.
Other names: c.981C>G, p.Asp327Glu (NM_001306193.2); short protein forms D327E, D342E.
Identifiers: ClinVar variation 3683978 (VCV003683978.3).